The following is an entry in ClinVar:

NM_003482.4(KMT2D):c.7997_8003dup (p.Met2669fs)

Gene: KMT2D (lysine methyltransferase 2D; minus strand). Cytogenetic location: 12q13.12.
Variant type: Microsatellite.
Coding change: c.7997_8003dup on transcript NM_003482.4 (MANE Select); coding-DNA positions 7997 to 8003, 7 bases duplicated (ACCCAGG; older notation c.7997_8003dupACCCAGG).
Protein change: p.Met2669fs; shifts the reading frame from methionine 2669.
Molecular consequence: frameshift variant.
Genome position (GRCh38, 1-based): chr12:49,039,767-49,039,773, CCTGGGT duplicated on the plus strand (ACCCAGG on the coding strand, the reverse complement: KMT2D is on the minus strand); duplicating any 7 consecutive bases within chr12:49,039,767-49,039,780 gives the same sequence; the c. name uses the placement nearest the transcript's 3' end. VCF-style (leftmost placement, unchanged base first): chr12-49039766-G-GCCTGGGT. GRCh37 (hg19) VCF-style: chr12-49433549-G-GCCTGGGT.
Other names: c.7997_8003dup (NM_003482.3); c.7990_7996ACCCAGG[3], p.Met2669Profs (NM_003482.3); c.7997_8003dupACCCAGG (NM_003482.3); short protein forms M2669fs.
Identifiers: ClinVar variation 2500704 (VCV002500704.2), dbSNP rs2498393597, ClinGen allele CA1139771248.

ClinVar aggregate classification (germline): Pathogenic (1 of 4 stars; one submission).

Conditions:
Kabuki syndrome 1 (KABUK1). Also called: KMT2D-Related Kabuki Syndrome. Identifiers: Orphanet 2322, MedGen CN030661, MONDO:0007843, OMIM 147920.

Submission:

Victorian Clinical Genetics Services, Murdoch Childrens Research Institute
Classification: Pathogenic for Kabuki syndrome 1. Last evaluated: 2021-05-06. Review status: criteria provided, single submitter. Criteria: ACMG Guidelines, 2015. Collection method: clinical testing. Allele origin: germline. Inheritance: Autosomal dominant inheritance.
Comment: Based on the classification scheme VCGS_Germline_v1.3.4, this variant is classified as Pathogenic. Following criteria are met: 0102 - Loss of function is a known mechanism of disease in this gene and is associated with Kabuki syndrome 1 (MIM#147920). (I) 0107 - This gene is associated with autosomal dominant disease. (I) 0201 - Variant is predicted to cause nonsense-mediated decay (NMD) and loss of protein (premature termination codon is located at least 54 nucleotides upstream of the final exon-exon junction). (SP) 0251 - This variant is heterozygous. (I) 0301 - Variant is absent from gnomAD (both v2 and v3). (SP) 0701 - Other NMD-predicted variants comparable to the one identified in this case have very strong previous evidence for pathogenicity. Several have been identified in Kabuki syndorme patients (DECIPHER, PMID: 31935506). (SP) 0807 - This variant has no previous evidence of pathogenicity. (I) 0905 - No published segregation evidence has been identified for this variant. (I) 1007 - No published functional evidence has been identified for this variant. (SP) Legend: (SP) - Supporting pathogenic, (I) - Information, (SB) - Supporting benign

Literature cited by the submitters: PubMed 31935506.